The following is an entry in ClinVar:

ClinVar aggregate classification (germline): Uncertain significance (1 of 4 stars; one submission).

Submission:

Ambry Genetics
Classification: Uncertain significance. Last evaluated: 2025-01-17. Review status: criteria provided, single submitter. Criteria: Ambry Variant Classification Scheme 2023. Collection method: clinical testing. Allele origin: germline.
Comment: The p.K544E variant (also known as c.1630A>G), located in coding exon 16 of the SRP72 gene, results from an A to G substitution at nucleotide position 1630. The lysine at codon 544 is replaced by glutamic acid, an amino acid with similar properties. This amino acid position is conserved. In addition, the in silico prediction for this alteration is inconclusive. Based on the available evidence, the clinical significance of this variant remains unclear.

NM_006947.4(SRP72):c.1630A>G (p.Lys544Glu)

Gene: SRP72 (signal recognition particle 72; plus strand). Cytogenetic location: 4q12.
Variant type: single nucleotide variant.
Coding change: c.1630A>G on transcript NM_006947.4 (MANE Select); coding-DNA position 1630, A replaced by G.
Protein change: p.Lys544Glu; replaces lysine 544 with glutamic acid.
Molecular consequence: missense variant. On other transcripts: non-coding transcript variant (1).
Genome position (GRCh38, 1-based): chr4:56,491,558, A>G. VCF-style: chr4-56491558-A-G. GRCh37 (hg19) VCF-style: chr4-57357724-A-G.
Other names: c.1447A>G, p.Lys483Glu (NM_001267722.2); short protein forms K544E, K483E.
Identifiers: ClinVar variation 3801450 (VCV003801450.1).
Genomic context (GRCh38, chr4:56,491,558, plus strand): 5'-TCTGCTGGTGCTACATACATTCGGAAGAAGGGTGGAAAAGTTACTGGAGATAGTCAACCA[A>G]AGGAACAAGGGTAATATTTTTCATTGTAACGTTCTCTAATGCTGATTTTAAATTAGACAA-3'
Protein context (NP_008878.3, residues 534-554): GGKVTGDSQP[Lys544Glu]EQGQGDLKKK